The following is an entry in ClinVar:

NM_000428.3(LTBP2):c.*1818C>T

Gene: LTBP2 (latent transforming growth factor beta binding protein 2; minus strand). Cytogenetic location: 14q24.3.
Variant type: single nucleotide variant.
Coding change: c.*1818C>T on transcript NM_000428.3 (MANE Select); 1818 bases downstream of the stop codon, C replaced by T.
Molecular consequence: 3 prime UTR variant.
Genome position (GRCh38, 1-based): chr14:74,499,066, G>A on the plus strand (C>T on the coding strand, the complement: LTBP2 is on the minus strand). VCF-style: chr14-74499066-G-A. GRCh37 (hg19) VCF-style: chr14-74965769-G-A.
Identifiers: ClinVar variation 314246 (VCV000314246.6), dbSNP rs1052939, ClinGen allele CA10646044.
Genomic context (GRCh38, chr14:74,499,066, plus strand): 5'-TCCTAGAAGTGGAAACTACTGGATCAAAGAGTTAGTGCTTTTATAATTTTGAAGGACATT[G>A]CCATATTGTCCTCTTCAATATGTACTTCTGTCAGCTGTTATGAGAGTACCTATTTCCCAC-3'

ClinVar aggregate classification (germline): Benign. Review status: criteria provided, multiple submitters, no conflicts (2 of 4 stars). 3 submissions from 2 submitters: Benign (3). Last evaluated 2018-01-13.

Conditions:
Weill-Marchesani syndrome. Also called: WM Syndrome; Mesodermal dysmorphodystrophy congenital. Identifiers: Orphanet 3449, MedGen C0265313, MONDO:0018096.
Glaucoma 3, primary congenital, D. Identifiers: Orphanet 98976, MedGen C2751316, MONDO:0013122, OMIM 613086.

Allele frequency attached by ClinVar (database versions not stated): gnomAD 0.26277 and 0.26611; TOPMed 0.27441; gnomAD exomes 0.30193; 1000 Genomes Project 30x 0.30700; 1000 Genomes Project 0.31230.
gnomAD v4.1: 60,228 of 217,940 alleles (28%); highest among the groups gnomAD compares: East Asian, 57%; 9,098 homozygotes.

Submissions (3):

Illumina Laboratory Services, Illumina
Classification: Benign for Weill-Marchesani syndrome. Last evaluated: 2018-01-13. Review status: criteria provided, single submitter. Criteria: ICSL Variant Classification Criteria 13 December 2019. Collection method: clinical testing. Allele origin: germline.
Comment: This variant was observed in the ICSL laboratory as part of a predisposition screen in an ostensibly healthy population. It had not been previously curated by ICSL or reported in the Human Gene Mutation Database (HGMD: prior to June 1st, 2018), and was therefore a candidate for classification through an automated scoring system. Utilizing variant allele frequency, disease prevalence and penetrance estimates, and inheritance mode, an automated score was calculated to assess if this variant is too frequent to cause the disease. Based on the score and internal cut-off values, a variant classified as benign is not then subjected to further curation. The score for this variant resulted in a classification of benign for this disease.

Illumina Laboratory Services, Illumina
Classification: Benign for Glaucoma 3, primary congenital, D. Last evaluated: 2018-01-13. Review status: criteria provided, single submitter. Criteria: ICSL Variant Classification Criteria 13 December 2019. Collection method: clinical testing. Allele origin: germline.
Comment: the same text as in the submission from Illumina Laboratory Services, Illumina above.

Breakthrough Genomics
Classification: Benign. Review status: criteria provided, single submitter. Criteria: ACMG Guidelines, 2015. Collection method: not provided. Allele origin: germline. Inheritance: Autosomal recessive inheritance. Affected: yes.